The following is an entry in ClinVar:

ClinVar aggregate classification (germline): Uncertain significance. Review status: criteria provided, multiple submitters, no conflicts (2 of 4 stars). 3 submissions from 3 submitters: Uncertain significance (3). Last evaluated 2025-07-31.

Conditions:
IFT140-related disorder. Also called: IFT140-related condition.
Inborn genetic diseases. Identifiers: MedGen C0950123, MeSH D030342.
Saldino-Mainzer syndrome (SRTD9). Also called: CONORENAL SYNDROME; short-rib thoracic dysplasia 9 with or without polydactyly; Renal dysplasia, retinal pigmentary dystrophy, cerebellar ataxia and skeletal dysplasia; SHORT-RIB THORACIC DYSPLASIA 9 WITHOUT POLYDACTYLY. Identifiers: Orphanet 140969, MedGen C1849437, MONDO:0009964, OMIM 266920.

gnomAD v4.1: 6 of 1,614,110 alleles (0.00037%); highest among the groups gnomAD compares: Non-Finnish European, 0.00051%; no homozygotes.

Submissions (3):

PreventionGenetics, part of Exact Sciences
Classification: Uncertain significance for IFT140-related condition. Last evaluated: 2025-07-31. Review status: criteria provided, single submitter. Criteria: ACMG Guidelines, 2015. Collection method: clinical testing. Allele origin: germline.
Comment: The IFT140 c.659A>G variant is predicted to result in the amino acid substitution p.Lys220Arg. To our knowledge, this variant has not been reported in the literature or in a large population database (gnomAD), indicating this variant is rare. At this time, the clinical significance of this variant is uncertain due to the absence of conclusive functional and genetic evidence.

Ambry Genetics
Classification: Uncertain significance for Inborn genetic diseases. Last evaluated: 2024-12-10. Review status: criteria provided, single submitter. Criteria: Ambry Variant Classification Scheme 2023. Collection method: clinical testing. Allele origin: germline.

Labcorp Genetics (formerly Invitae), Labcorp
Classification: Uncertain significance for Saldino-Mainzer syndrome. Last evaluated: 2022-12-13. Review status: criteria provided, single submitter. Criteria: Invitae Variant Classification Sherloc (09022015). Collection method: clinical testing. Allele origin: germline.
Comment: In summary, the available evidence is currently insufficient to determine the role of this variant in disease. Therefore, it has been classified as a Variant of Uncertain Significance. Advanced modeling of protein sequence and biophysical properties (such as structural, functional, and spatial information, amino acid conservation, physicochemical variation, residue mobility, and thermodynamic stability) performed at Invitae indicates that this missense variant is not expected to disrupt IFT140 protein function. This variant has not been reported in the literature in individuals affected with IFT140-related conditions. This variant is not present in population databases (gnomAD no frequency). This sequence change replaces lysine, which is basic and polar, with arginine, which is basic and polar, at codon 220 of the IFT140 protein (p.Lys220Arg).

NM_014714.4(IFT140):c.659A>G (p.Lys220Arg)

Genes: IFT140 (intraflagellar transport 140; minus strand), LOC105371046 (uncharacterized LOC105371046; plus strand). Cytogenetic location: 16p13.3.
Variant type: single nucleotide variant.
Coding change: c.659A>G on transcript NM_014714.4 (MANE Select); coding-DNA position 659, A replaced by G.
Protein change: p.Lys220Arg; replaces lysine 220 with arginine.
Molecular consequence: missense variant.
Genome position (GRCh38, 1-based): chr16:1,589,756, T>C on the plus strand (A>G on the coding strand, the complement: IFT140 is on the minus strand). VCF-style: chr16-1589756-T-C. GRCh37 (hg19) VCF-style: chr16-1639757-T-C.
Other names: c.659A>G (NM_014714.3); short protein forms K220R.
Identifiers: ClinVar variation 1952141 (VCV001952141.7), dbSNP rs2507934900, ClinGen allele CA394218961.